The following is an entry in ClinVar:

ClinVar aggregate classification (germline): Likely benign (0 of 4 stars; one submission).

Conditions:
MBOAT7-related disorder. Also called: MBOAT7-related condition.

Allele frequency attached by ClinVar (database versions not stated): gnomAD 0.00001; TOPMed 0.00006; gnomAD exomes 0.00008; 1000 Genomes Project 30x 0.00016; 1000 Genomes Project 0.00020; ExAC 0.00021.
gnomAD v4.1: 123 of 1,614,030 alleles (0.0076%); highest among the groups gnomAD compares: South Asian, 0.12%; 2 homozygotes.

Submission:

PreventionGenetics, part of Exact Sciences
Classification: Likely benign for MBOAT7-related condition. Last evaluated: 2019-03-27. Review status: no assertion criteria provided. Collection method: clinical testing. Allele origin: germline.
Comment: This variant is classified as likely benign based on ACMG/AMP sequence variant interpretation guidelines (Richards et al. 2015 PMID: 25741868, with internal and published modifications).

NM_024298.5(MBOAT7):c.114C>T (p.Gly38=)

Gene: MBOAT7 (membrane bound acylglycerophosphatidylinositol O-acyltransferase MBOAT7; minus strand). Cytogenetic location: 19q13.42.
Variant type: single nucleotide variant.
Coding change: c.114C>T on transcript NM_024298.5 (MANE Select); coding-DNA position 114, C replaced by T.
Protein change: p.Gly38=; no amino-acid change (glycine 38 retained).
Molecular consequence: synonymous variant. On other transcripts: missense variant (2).
Genome position (GRCh38, 1-based): chr19:54,188,309, G>A on the plus strand (C>T on the coding strand, the complement: MBOAT7 is on the minus strand). VCF-style: chr19-54188309-G-A. GRCh37 (hg19) VCF-style: chr19-54692163-G-A.
Other names: c.22C>T, p.Pro8Ser (NM_001146056.3, NM_001146083.3); c.114C>T, p.Gly38= (NM_001146082.3); short protein forms P8S.
Identifiers: ClinVar variation 3046798 (VCV003046798.2), dbSNP rs553929263, ClinGen allele CA309369118.